The following is an entry in ClinVar:

NM_000226.4(KRT9):c.167G>T (p.Gly56Val)

Gene: KRT9 (keratin 9; minus strand). Cytogenetic location: 17q21.2.
Variant type: single nucleotide variant.
Coding change: c.167G>T on transcript NM_000226.4 (MANE Select); coding-DNA position 167, G replaced by T.
Protein change: p.Gly56Val; replaces glycine 56 with valine.
Molecular consequence: missense variant.
Genome position (GRCh38, 1-based): chr17:41,571,826, C>A on the plus strand (G>T on the coding strand, the complement: KRT9 is on the minus strand). VCF-style: chr17-41571826-C-A. GRCh37 (hg19) VCF-style: chr17-39728078-C-A.
Other names: short protein forms G56V.
Identifiers: ClinVar variation 4852368 (VCV004852368.2).
Genomic context (GRCh38, chr17:41,571,826, plus strand): 5'-CCTCCGCCGTAGCTGTAGCCAAAACTGCCACCGCCTCCCCTCCCACAGACACGAGAGCTT[C>A]CCCCACCATAGCCACTAGAAGAGCTGAATCGGCCCCCTCCTCCACCGCCCCCTGAGGAGC-3'
Protein context (NP_000217.2, residues 46-66): RFSSSSGYGG[Gly56Val]SSRVCGRGGG

ClinVar aggregate classification (germline): Conflicting classifications of pathogenicity. Review status: criteria provided, conflicting classifications (1 of 4 stars). 2 submissions from 2 submitters: Likely pathogenic (1); Uncertain significance (1). Last evaluated 2026-04-24.

Conditions:
Epidermolytic palmoplantar keratoderma, 1 (EPPK1). Also called: TYLOSIS; PALMOPLANTAR KERATODERMA, EPIDERMOLYTIC, WITH KNUCKLE PADS. Identifiers: Orphanet 2199, MedGen CN377798, MONDO:0007758, OMIM 144200.
KRT9-related disorder. Also called: KRT9-related condition.

gnomAD v4.1: 3 of 1,612,730 alleles (0.00019%); highest among the groups gnomAD compares: Non-Finnish European, 0.00025%; no homozygotes.

Submissions (2):

MVZ Medizinische Genetik Mainz
Classification: Uncertain significance for Epidermolytic palmoplantar keratoderma, 1. Last evaluated: 2026-04-24. Review status: criteria provided, single submitter. Criteria: UK Practice Guidelines For Variant Classification V4 01 2020. Collection method: clinical testing. Allele origin: germline. Inheritance: Autosomal dominant inheritance. Affected: yes. Observed: 1 variant allele.
Comment: ACMG Criteria: PM2_SUP,PP3

Blueprint Genetics
Classification: Likely pathogenic for KRT9-related disorders. Last evaluated: 2019-09-17. Review status: criteria provided, single submitter. Criteria: ACMG Guidelines, 2015. Collection method: clinical testing. Allele origin: germline. Affected: yes. Observed: 4 variant alleles.